The following is an entry in ClinVar:

NM_001306084.2(CFAP54):c.3058C>T (p.Arg1020Trp)

Gene: CFAP54 (cilia and flagella associated protein 54; plus strand). Cytogenetic location: 12q23.1.
Variant type: single nucleotide variant.
Coding change: c.3058C>T on transcript NM_001306084.2 (MANE Select); coding-DNA position 3058, C replaced by T.
Protein change: p.Arg1020Trp; replaces arginine 1020 with tryptophan.
Molecular consequence: missense variant.
Genome position (GRCh38, 1-based): chr12:96,581,088, C>T. VCF-style: chr12-96581088-C-T. GRCh37 (hg19) VCF-style: chr12-96974866-C-T.
Other names: c.3058C>T, p.Arg1020Trp (NM_001367885.1); short protein forms R1020W.
Identifiers: ClinVar variation 4084121 (VCV004084121.8).

ClinVar aggregate classification (germline): Likely benign (1 of 4 stars; one submission).

gnomAD v4.1: 675 of 1,500,100 alleles (0.045%); highest among the groups gnomAD compares: South Asian, 0.57%; 7 homozygotes.

Submission:

CeGaT Center for Human Genetics Tuebingen
Classification: Likely benign. Last evaluated: 2025-08-01. Review status: criteria provided, single submitter. Criteria: CeGaT Center For Human Genetics Tuebingen Variant Classification Criteria Version 2. Collection method: clinical testing. Allele origin: germline. Affected: yes. Observed: 1 variant allele.
Comment: CFAP54: BP4